The following is an entry in ClinVar:

NM_001369.3(DNAH5):c.11570+2T>C

Gene: DNAH5 (dynein axonemal heavy chain 5; minus strand). Cytogenetic location: 5p15.2.
Variant type: single nucleotide variant.
Coding change: c.11570+2T>C on transcript NM_001369.3 (MANE Select); the canonical splice donor site of the intron after coding-DNA position 11570, T replaced by C.
Molecular consequence: splice donor variant.
Genome position (GRCh38, 1-based): chr5:13,735,816, A>G on the plus strand (T>C on the coding strand, the complement: DNAH5 is on the minus strand). VCF-style: chr5-13735816-A-G. GRCh37 (hg19) VCF-style: chr5-13735925-A-G.
Identifiers: ClinVar variation 1067755 (VCV001067755.9), dbSNP rs2126610509, ClinGen allele CA359224473.
Genomic context (GRCh38, chr5:13,735,816, plus strand): 5'-TAATGTCATCATTTTAGTGCACAGATATAGAATTCAGCTTGGCTTCCCGCGTACAGACGT[A>G]CCTGGCTAAGGAAAGGTCAAATAAGCCCAGAAACTGGCGAAGCGAAGTCTGATACATCTC-3'

ClinVar aggregate classification (germline): Likely pathogenic (1 of 4 stars; one submission).

Conditions:
Primary ciliary dyskinesia. Also called: Ciliary dyskinesia. Identifiers: Orphanet 244, MedGen C0008780, MONDO:0016575, HP:0012265.

Submission:

Labcorp Genetics (formerly Invitae), Labcorp
Classification: Likely pathogenic for Primary ciliary dyskinesia. Last evaluated: 2020-10-19. Review status: criteria provided, single submitter. Criteria: Invitae Variant Classification Sherloc (09022015). Collection method: clinical testing. Allele origin: germline.
Comment: In summary, the currently available evidence indicates that the variant is pathogenic, but additional data are needed to prove that conclusively. Therefore, this variant has been classified as Likely Pathogenic. This variant is not present in population databases (ExAC no frequency). This variant has not been reported in the literature in individuals with DNAH5-related conditions. Algorithms developed to predict the effect of sequence changes on RNA splicing suggest that this variant may disrupt the consensus splice site, but this prediction has not been confirmed by published transcriptional studies. This sequence change affects a donor splice site in intron 67 of the DNAH5 gene. It is expected to disrupt RNA splicing. Variants that disrupt the donor or acceptor splice site typically lead to a loss of protein function (PMID: 16199547), and loss-of-function variants in DNAH5 are known to be pathogenic (PMID: 11788826, 16627867).

Literature cited by the submitters: PubMed 16199547; PubMed 11788826; PubMed 16627867.